The following is an entry in ClinVar:

NM_000088.4(COL1A1):c.889G>A (p.Ala297Thr)

Genes: COL1A1 (collagen type I alpha 1 chain; minus strand), LOC126862586 (CDK7 strongly-dependent group 2 enhancer GRCh37_chr17:48273702-48274901; plus strand). Cytogenetic location: 17q21.33.
Variant type: single nucleotide variant.
Coding change: c.889G>A on transcript NM_000088.4 (MANE Select); coding-DNA position 889, G replaced by A.
Protein change: p.Ala297Thr; replaces alanine 297 with threonine.
Molecular consequence: missense variant.
Genome position (GRCh38, 1-based): chr17:50,196,498, C>T on the plus strand (G>A on the coding strand, the complement: COL1A1 is on the minus strand). VCF-style: chr17-50196498-C-T. GRCh37 (hg19) VCF-style: chr17-48273859-C-T.
Other names: short protein forms A297T.
Identifiers: ClinVar variation 2823014 (VCV002823014.3), dbSNP rs2509236631, ClinGen allele CA400222079.
Genomic context (GRCh38, chr17:50,196,498, plus strand): 5'-CCTGCCTCCTGCCCCATCCCTGCCCTCTGGAACTGGGCACACTCACCATCTGACCAGGAG[C>T]TCCATTTTCACCAGGGCTGCCAGGCTCACCCTGTAGATCAGAGAATAATGAGTGAGAAAT-3'
Protein context (NP_000079.2, residues 287-307): GEPGSPGENG[Ala297Thr]PGQMGPRGLP

ClinVar aggregate classification (germline): Uncertain significance (1 of 4 stars; one submission).

Conditions:
Osteogenesis imperfecta type I (OI1). Also called: OI, TYPE I; OSTEOGENESIS IMPERFECTA TARDA; OSTEOGENESIS IMPERFECTA WITH BLUE SCLERAE; Osteogenesis imperfecta type 1; Lobstein's Disease; Lobstein disease. Identifiers: Orphanet 216796, Orphanet 666, MedGen C0023931, MONDO:0008146, OMIM 166200. Disease mechanism: loss of function.

Allele frequency attached by ClinVar (database versions not stated): gnomAD exomes below 0.00001.
gnomAD v4.1: 1 of 1,614,204 alleles (0.000062%); highest among the groups gnomAD compares: Non-Finnish European, 0.000085%; no homozygotes.

Submission:

Labcorp Genetics (formerly Invitae), Labcorp
Classification: Uncertain significance for Osteogenesis imperfecta type I. Last evaluated: 2025-03-26. Review status: criteria provided, single submitter. Criteria: Invitae Variant Classification Sherloc (09022015). Collection method: clinical testing. Allele origin: germline.
Comment: This sequence change replaces alanine, which is neutral and non-polar, with threonine, which is neutral and polar, at codon 297 of the COL1A1 protein (p.Ala297Thr). This variant is not present in population databases (gnomAD no frequency). This variant has not been reported in the literature in individuals affected with COL1A1-related conditions. ClinVar contains an entry for this variant (Variation ID: 2823014). Invitae Evidence Modeling of protein sequence and biophysical properties (such as structural, functional, and spatial information, amino acid conservation, physicochemical variation, residue mobility, and thermodynamic stability) indicates that this missense variant is not expected to disrupt COL1A1 protein function with a negative predictive value of 95%. In summary, the available evidence is currently insufficient to determine the role of this variant in disease. Therefore, it has been classified as a Variant of Uncertain Significance.